The following is an entry in ClinVar:

NM_001282225.2(ADA2):c.881+6A>T

Gene: ADA2 (adenosine deaminase 2; minus strand). Cytogenetic location: 22q11.1.
Variant type: single nucleotide variant.
Coding change: c.881+6A>T on transcript NM_001282225.2 (MANE Select); 6 bases into the intron after coding-DNA position 881, A replaced by T.
Molecular consequence: intron variant.
Genome position (GRCh38, 1-based): chr22:17,191,677, T>A on the plus strand (A>T on the coding strand, the complement: ADA2 is on the minus strand). VCF-style: chr22-17191677-T-A. GRCh37 (hg19) VCF-style: chr22-17672567-T-A.
Other names: c.881+6A>T (NM_001282225.1, NM_001282226.2); c.755+6A>T (NM_001282227.2, NM_001282228.2); c.521+6A>T (NM_001282229.2); c.158+6A>T (NM_177405.3).
Identifiers: ClinVar variation 1512094 (VCV001512094.7), dbSNP rs759682181, ClinGen allele CA10088076.

ClinVar aggregate classification (germline): Conflicting classifications of pathogenicity. Review status: criteria provided, conflicting classifications (1 of 4 stars). 2 submissions from 2 submitters: Uncertain significance (1); Likely benign (1). Last evaluated 2025-02-12.

Conditions:
ADA2-related disorder. Also called: ADA2-related condition.
Deficiency of adenosine deaminase 2. Also called: Adenosine Deaminase 2 Deficiency; VASCULITIS, AUTOINFLAMMATION, IMMUNODEFICIENCY, AND HEMATOLOGIC DEFECTS SYNDROME; Polyarteritis nodosa, childhoood-onset. Identifiers: Orphanet 404553, MedGen C3887654, MONDO:0014306, OMIM 615688, MONDO:0100317.

Allele frequency attached by ClinVar (database versions not stated): ExAC 0.00002; gnomAD exomes 0.00002.
gnomAD v4.1: 25 of 1,611,654 alleles (0.0016%); highest among the groups gnomAD compares: Non-Finnish European, 0.0021%; no homozygotes.

Submissions (2):

PreventionGenetics, part of Exact Sciences
Classification: Likely benign for ADA2-related condition. Last evaluated: 2025-02-12. Review status: criteria provided, single submitter. Criteria: ACMG Guidelines, 2015. Collection method: clinical testing. Allele origin: germline.
Comment: This variant is classified as likely benign based on ACMG/AMP sequence variant interpretation guidelines (Richards et al. 2015 PMID: 25741868, with internal and published modifications).

Labcorp Genetics (formerly Invitae), Labcorp
Classification: Uncertain significance for Deficiency of adenosine deaminase 2. Last evaluated: 2023-08-17. Review status: criteria provided, single submitter. Criteria: Invitae Variant Classification Sherloc (09022015). Collection method: clinical testing. Allele origin: germline.
Comment: In summary, the available evidence is currently insufficient to determine the role of this variant in disease. Therefore, it has been classified as a Variant of Uncertain Significance. Variants that disrupt the consensus splice site are a relatively common cause of aberrant splicing (PMID: 17576681, 9536098). Algorithms developed to predict the effect of sequence changes on RNA splicing suggest that this variant is not likely to affect RNA splicing. ClinVar contains an entry for this variant (Variation ID: 1512094). This variant has not been reported in the literature in individuals affected with ADA2-related conditions. This variant is present in population databases (rs759682181, gnomAD 0.004%). This sequence change falls in intron 5 of the ADA2 gene. It does not directly change the encoded amino acid sequence of the ADA2 protein. It affects a nucleotide within the consensus splice site.

Literature cited by the submitters: PubMed 17576681 (cited by Labcorp Genetics (formerly Invitae), Labcorp); PubMed 9536098 (cited by Labcorp Genetics (formerly Invitae), Labcorp).